The following is an entry in ClinVar:

ClinVar aggregate classification (germline): Uncertain significance (1 of 4 stars; one submission).

Conditions:
LAMA2-related muscular dystrophy (LAMA2-RD). Also called: Laminin alpha 2-related dystrophy. Identifiers: MedGen C5679788, MONDO:0100228.

Submission:

Labcorp Genetics (formerly Invitae), Labcorp
Classification: Uncertain significance for LAMA2-related muscular dystrophy. Last evaluated: 2022-08-15. Review status: criteria provided, single submitter. Criteria: Invitae Variant Classification Sherloc (09022015). Collection method: clinical testing. Allele origin: germline.
Comment: In summary, the available evidence is currently insufficient to determine the role of this variant in disease. Therefore, it has been classified as a Variant of Uncertain Significance. Algorithms developed to predict the effect of missense changes on protein structure and function are either unavailable or do not agree on the potential impact of this missense change (SIFT: "Tolerated"; PolyPhen-2: "Probably Damaging"; Align-GVGD: "Class C0"). This variant has not been reported in the literature in individuals affected with LAMA2-related conditions. This variant is not present in population databases (gnomAD no frequency). This sequence change replaces glutamic acid, which is acidic and polar, with lysine, which is basic and polar, at codon 213 of the LAMA2 protein (p.Glu213Lys).

NM_000426.4(LAMA2):c.637G>A (p.Glu213Lys)

Gene: LAMA2 (laminin subunit alpha 2; plus strand). Cytogenetic location: 6q22.33.
Variant type: single nucleotide variant.
Coding change: c.637G>A on transcript NM_000426.4 (MANE Select); coding-DNA position 637, G replaced by A.
Protein change: p.Glu213Lys; replaces glutamic acid 213 with lysine.
Molecular consequence: missense variant.
Genome position (GRCh38, 1-based): chr6:129,098,413, G>A. VCF-style: chr6-129098413-G-A. GRCh37 (hg19) VCF-style: chr6-129419558-G-A.
Other names: c.637G>A, p.Glu213Lys (NM_001079823.2); short protein forms E213K.
Identifiers: ClinVar variation 2003334 (VCV002003334.4), dbSNP rs1775315900, ClinGen allele CA365829552.